The following is an entry in ClinVar:

ClinVar aggregate classification (germline): Pathogenic (1 of 4 stars; one submission).

Conditions:
Hereditary cancer-predisposing syndrome. Also called: Hereditary Cancer Syndrome; Neoplastic Syndromes, Hereditary; Tumor predisposition; Hereditary neoplastic syndrome. Identifiers: Orphanet 140162, MedGen C0027672, MeSH D009386, MONDO:0015356.

Submission:

Ambry Genetics
Classification: Pathogenic for Hereditary cancer-predisposing syndrome. Last evaluated: 2016-08-25. Review status: criteria provided, single submitter. Criteria: Ambry Variant Classification Scheme 2023. Collection method: clinical testing. Allele origin: germline.
Comment: The c.1376delA pathogenic mutation, located in coding exon 9 of the RAD50 gene, results from a deletion of one nucleotide at nucleotide position 1376, causing a translational frameshift with a predicted alternate stop codon. This alteration is expected to result in loss of function by premature protein truncation or nonsense-mediated mRNA decay. As such, this alteration is interpreted as a disease-causing mutation.

NM_005732.4(RAD50):c.1376del (p.Asn459fs)

Gene: RAD50 (RAD50 double strand break repair protein; plus strand). Cytogenetic location: 5q31.1.
Variant type: Deletion.
Coding change: c.1376del on transcript NM_005732.4 (MANE Select); coding-DNA position 1376, one base deleted (A; older notation c.1376delA).
Protein change: p.Asn459fs; shifts the reading frame from asparagine 459.
Molecular consequence: frameshift variant.
Genome position (GRCh38, 1-based): chr5:132,589,761, A deleted; the last of 5 consecutive A bases (chr5:132,589,757-132,589,761); deleting any one gives the same sequence. VCF-style (leftmost placement, unchanged base first): chr5-132589756-GA-G. GRCh37 (hg19) VCF-style: chr5-131925448-GA-G.
Other names: short protein forms N459fs.
Identifiers: ClinVar variation 480454 (VCV000480454.5), dbSNP rs1554098326, ClinGen allele CA658657508.